The following is an entry in ClinVar:

ClinVar aggregate classification (germline): Likely benign (1 of 4 stars; one submission).

Allele frequency attached by ClinVar (database versions not stated): ExAC 0.00040; 1000 Genomes Project 30x 0.00078; 1000 Genomes Project 0.00080; ESP Exome Variant Server 0.00096; gnomAD 0.00104; TOPMed 0.00131.
gnomAD v4.1: 325 of 1,608,082 alleles (0.02%); highest among the groups gnomAD compares: African/African-American, 0.35%; no homozygotes.

Submission:

CeGaT Center for Human Genetics Tuebingen
Classification: Likely benign. Last evaluated: 2022-09-01. Review status: criteria provided, single submitter. Criteria: CeGaT Center For Human Genetics Tuebingen Variant Classification Criteria Version 2. Collection method: clinical testing. Allele origin: germline. Affected: yes. Observed: 1 variant allele.
Comment: MTCL2: BP4, BP7

NM_080627.4(MTCL2):c.3114C>T (p.Ala1038=)

Gene: MTCL2 (microtubule crosslinking factor 2; minus strand). Cytogenetic location: 20q11.23.
Variant type: single nucleotide variant.
Coding change: c.3114C>T on transcript NM_080627.4 (MANE Select); coding-DNA position 3114, C replaced by T.
Protein change: p.Ala1038=; no amino-acid change (alanine 1038 retained).
Molecular consequence: synonymous variant.
Genome position (GRCh38, 1-based): chr20:36,803,081, G>A on the plus strand (C>T on the coding strand, the complement: MTCL2 is on the minus strand). VCF-style: chr20-36803081-G-A. GRCh37 (hg19) VCF-style: chr20-35431484-G-A.
Other names: c.2400C>T, p.Ala800= (NM_199181.3).
Identifiers: ClinVar variation 2652300 (VCV002652300.23), dbSNP rs368783870, ClinGen allele CA9843401.
Genomic context (GRCh38, chr20:36,803,081, plus strand): 5'-CTGCTGCTCCTCACGCTCCCGCTGTAGGGCTGCCTTCCAGTCGGGCCCTGCCCGCTCCCC[G>A]GCCCCCTTCCCTGTCTTCAGCTCCATCTGCGGAAAGAAGCAGACTAAGCAGCTGGCAGCA-3'
Protein context (NP_542194.2, residues 1028-1048): SQMELKTGKG[Ala1038=]GERAGPDWKA